The following is an entry in ClinVar:

ClinVar aggregate classification (germline): Uncertain significance (1 of 4 stars; one submission).

Conditions:
Long QT syndrome (LQTS). Identifiers: MedGen C0023976, MeSH D008133, MONDO:0002442. Disease mechanism: loss of function. Inheritance: Various modes of inheritance.

gnomAD v4.1: 3 of 1,612,876 alleles (0.00019%); highest among the groups gnomAD compares: East Asian, 0.0045%; no homozygotes.

Submission:

Labcorp Genetics (formerly Invitae), Labcorp
Classification: Uncertain significance for Long QT syndrome. Last evaluated: 2024-09-20. Review status: criteria provided, single submitter. Criteria: Invitae Variant Classification Sherloc (09022015). Collection method: clinical testing. Allele origin: germline.
Comment: This sequence change replaces glutamic acid, which is acidic and polar, with valine, which is neutral and non-polar, at codon 1991 of the AKAP9 protein (p.Glu1991Val). This variant is present in population databases (no rsID available, gnomAD 0.006%). This variant has not been reported in the literature in individuals affected with AKAP9-related conditions. An algorithm developed to predict the effect of missense changes on protein structure and function (PolyPhen-2) suggests that this variant is likely to be tolerated. In summary, the available evidence is currently insufficient to determine the role of this variant in disease. Therefore, it has been classified as a Variant of Uncertain Significance.

NM_005751.5(AKAP9):c.5972A>T (p.Glu1991Val)

Gene: AKAP9 (A-kinase anchoring protein 9; plus strand). Cytogenetic location: 7q21.2.
Variant type: single nucleotide variant.
Coding change: c.5972A>T on transcript NM_005751.5 (MANE Select); coding-DNA position 5972, A replaced by T.
Protein change: p.Glu1991Val; replaces glutamic acid 1991 with valine.
Molecular consequence: missense variant.
Genome position (GRCh38, 1-based): chr7:92,062,481, A>T. VCF-style: chr7-92062481-A-T. GRCh37 (hg19) VCF-style: chr7-91691795-A-T.
Other names: c.617A>T, p.Glu206Val (NM_001379277.1); c.5972A>T, p.Glu1991Val (NM_147185.3); short protein forms E206V, E1991V.
Identifiers: ClinVar variation 3709304 (VCV003709304.2).
Genomic context (GRCh38, chr7:92,062,481, plus strand): 5'-AAGAAAGAGAATTACTGTCCAGACAAAAGGAAGCTATGAAAGCAGAGGCAGGCCCAGTTG[A>T]ACAACGTAAGTATTTTCAGAATTTGTATGAAACAGTCCTCTGATTTTATTTGTATTCTTC-3'
Protein context (NP_005742.4, residues 1981-2001): EAMKAEAGPV[Glu1991Val]QQLLQETEKL